The following is an entry in ClinVar:

NM_000053.4(ATP7B):c.3101dup (p.His1034fs)

Gene: ATP7B (ATPase copper transporting beta; minus strand). Cytogenetic location: 13q14.3.
Variant type: Duplication.
Coding change: c.3101dup on transcript NM_000053.4 (MANE Select); coding-DNA position 3101, one base duplicated (A; older notation c.3101dupA).
Protein change: p.His1034fs; shifts the reading frame from histidine 1034.
Molecular consequence: frameshift variant.
Genome position (GRCh38, 1-based): chr13:51,944,251, T duplicated on the plus strand (A on the coding strand, the reverse complement: ATP7B is on the minus strand). VCF-style (leftmost placement, unchanged base first): chr13-51944250-A-AT. GRCh37 (hg19) VCF-style: chr13-52518386-A-AT.
Other names: c.2480dup, p.His827fs (NM_001005918.3); c.2768dup, p.His923fs (NM_001243182.2); c.2867dup, p.His956fs (NM_001330578.2); c.2849dup, p.His950fs (NM_001330579.2); short protein forms H923fs, H950fs, H1034fs, H956fs, H827fs.
Identifiers: ClinVar variation 940120 (VCV000940120.7), dbSNP rs1681704644, ClinGen allele CA1139663303.
Genomic context (GRCh38, chr13:51,944,250, plus strand): 5'-CCTGAGGGGCAGTGTGGCCACATCCCCCAGCAGGAGCACCCGCATGACCCTGGGGACGCC[A>AT]TGGGTAATGGTGCCAGTCTTGTCAAACATCACAGTCTTTATCTGCCAAAAACAACCACAA-3'

ClinVar aggregate classification (germline): Pathogenic. Review status: criteria provided, multiple submitters, no conflicts (2 of 4 stars). 2 submissions from 2 submitters: Pathogenic (2). Last evaluated 2021-08-10.

Conditions:
Wilson disease (WND). Also called: Wilson's disease. Identifiers: Orphanet 905, MedGen C0019202, MONDO:0010200, OMIM 277900. Disease mechanism: loss of function.

Submissions (2):

Genome-Nilou Lab
Classification: Pathogenic for Wilson disease. Last evaluated: 2021-08-10. Review status: criteria provided, single submitter. Criteria: ACMG Guidelines, 2015. Collection method: clinical testing. Allele origin: germline. Affected: no.

Labcorp Genetics (formerly Invitae), Labcorp
Classification: Pathogenic for Wilson disease. Last evaluated: 2019-10-18. Review status: criteria provided, single submitter. Criteria: Invitae Variant Classification Sherloc (09022015). Collection method: clinical testing. Allele origin: germline.
Comment: This sequence change creates a premature translational stop signal (p.His1034Glnfs*35) in the ATP7B gene. It is expected to result in an absent or disrupted protein product. This variant is not present in population databases (ExAC no frequency). This variant has not been reported in the literature in individuals with ATP7B-related conditions. Loss-of-function variants in ATP7B are known to be pathogenic (PMID: 10441329, 16283883). For these reasons, this variant has been classified as Pathogenic.

Literature cited by the submitters: PubMed 10441329 (cited by Labcorp Genetics (formerly Invitae), Labcorp); PubMed 16283883 (cited by Labcorp Genetics (formerly Invitae), Labcorp).